The following is an entry in ClinVar:

ClinVar aggregate classification (germline): Uncertain significance. Review status: criteria provided, multiple submitters, no conflicts (2 of 4 stars). 6 submissions from 6 submitters: Uncertain significance (6). Last evaluated 2025-03-25.

Conditions:
Atrial fibrillation, familial, 14 (ATFB14). Identifiers: MedGen C3809312, MONDO:0014156, OMIM 615378.
Cardiovascular phenotype. Identifiers: MedGen CN230736.

Allele frequency attached by ClinVar (database versions not stated): gnomAD 0.00003 and 0.00002; gnomAD exomes 0.00003; TOPMed 0.00002; ExAC 0.00003.
gnomAD v4.1: 25 of 1,613,916 alleles (0.0015%); highest among the groups gnomAD compares: Middle Eastern, 0.033%; no homozygotes.

Submissions (6):

Ambry Genetics
Classification: Uncertain significance for Cardiovascular phenotype. Last evaluated: 2025-03-25. Review status: criteria provided, single submitter. Criteria: Ambry Variant Classification Scheme 2023. Collection method: clinical testing. Allele origin: germline.
Comment: The p.T15M variant (also known as c.44C>T), located in coding exon 1 of the SCN2B gene, results from a C to T substitution at nucleotide position 44. The threonine at codon 15 is replaced by methionine, an amino acid with similar properties. This alteration has been reported as a secondary cardiac variant in an exome cohort (Ng D et al. Circ Cardiovasc Genet, 2013 Aug;6:337-46). This amino acid position is well conserved in available vertebrate species. In addition, the in silico prediction for this alteration is inconclusive. Since supporting evidence is limited at this time, the clinical significance of this alteration remains unclear.

Labcorp Genetics (formerly Invitae), Labcorp
Classification: Uncertain significance for Atrial fibrillation, familial, 14. Last evaluated: 2023-10-13. Review status: criteria provided, single submitter. Criteria: Invitae Variant Classification Sherloc (09022015). Collection method: clinical testing. Allele origin: germline.
Comment: This sequence change replaces threonine, which is neutral and polar, with methionine, which is neutral and non-polar, at codon 15 of the SCN2B protein (p.Thr15Met). This variant is present in population databases (rs201373014, gnomAD 0.005%). This variant has not been reported in the literature in individuals affected with SCN2B-related conditions. ClinVar contains an entry for this variant (Variation ID: 191495). An algorithm developed to predict the effect of missense changes on protein structure and function (PolyPhen-2) suggests that this variant is likely to be tolerated. In summary, the available evidence is currently insufficient to determine the role of this variant in disease. Therefore, it has been classified as a Variant of Uncertain Significance.

Fulgent Genetics
Classification: Uncertain significance for Atrial fibrillation, familial, 14. Last evaluated: 2021-09-29. Review status: criteria provided, single submitter. Criteria: ACMG Guidelines, 2015. Collection method: clinical testing. Allele origin: unknown.

Department of Pathology and Laboratory Medicine, Sinai Health System
Classification: Uncertain significance for Atrial fibrillation, familial, 14. Last evaluated: 2021-08-31. Review status: criteria provided, single submitter. Criteria: ACMG Guidelines, 2015. Collection method: research. Allele origin: germline.

Baylor Genetics
Classification: Uncertain significance for Atrial fibrillation, familial, 14. Last evaluated: 2018-12-14. Review status: criteria provided, single submitter. Criteria: ACMG Guidelines, 2015. Collection method: clinical testing. Allele origin: maternal. Affected: yes.
Comment: This variant was determined to be of uncertain significance according to ACMG Guidelines, 2015 [PMID:25741868].

Biesecker Lab/Clinical Genomics Section, National Institutes of Health
Classification: Uncertain significance. Last evaluated: 2013-06-24. Review status: criteria provided, single submitter. Criteria: Ng et al. (Circ Cardiovasc Genet. 2013). Collection method: research. Allele origin: unknown. Observed: 1 variant allele. Study: ClinSeq.
Comment: The study set was not selected for affection status in relation to any cancer. Pathogenicity categories were based on literature curation. See Pubmed ID:23861362 for details.

Medical sequencing

Literature cited by the submitters: PubMed 23861362 (cited by Ambry Genetics).

NM_004588.5(SCN2B):c.44C>T (p.Thr15Met)

Gene: SCN2B (sodium voltage-gated channel beta subunit 2; minus strand). Cytogenetic location: 11q23.3.
Variant type: single nucleotide variant.
Coding change: c.44C>T on transcript NM_004588.5 (MANE Select); coding-DNA position 44, C replaced by T.
Protein change: p.Thr15Met; replaces threonine 15 with methionine.
Molecular consequence: missense variant.
Genome position (GRCh38, 1-based): chr11:118,176,388, G>A on the plus strand (C>T on the coding strand, the complement: SCN2B is on the minus strand). VCF-style: chr11-118176388-G-A. GRCh37 (hg19) VCF-style: chr11-118047103-G-A.
Other names: short protein forms T15M.
Identifiers: ClinVar variation 191495 (VCV000191495.12), dbSNP rs201373014, ClinGen allele CA236790.
Genomic context (GRCh38, chr11:118,176,388, plus strand): 5'-AACCCTCGGGAGCATGCAGATGTGTCTAACTTACCCAAAGAGAAAAAGAGACTGAGCCCC[G>A]TGAGGCTGAAGGCAGGGCGAGGTAGCCAGGCATCTCTGTGCATTTTCAGAGACTGAGATG-3'
Protein context (NP_004579.1, residues 5-25): AWLPRPAFSL[Thr15Met]GLSLFFSLVP